The following is an entry in ClinVar:

NM_145207.3(AFG2A):c.1075A>G (p.Ser359Gly)

Gene: AFG2A (AFG2 AAA ATPase homolog A; plus strand). Cytogenetic location: 4q28.1.
Variant type: single nucleotide variant.
Coding change: c.1075A>G on transcript NM_145207.3 (MANE Select); coding-DNA position 1075, A replaced by G.
Protein change: p.Ser359Gly; replaces serine 359 with glycine.
Molecular consequence: missense variant.
Genome position (GRCh38, 1-based): chr4:122,934,666, A>G. VCF-style: chr4-122934666-A-G. GRCh37 (hg19) VCF-style: chr4-123855821-A-G.
Other names: c.1072A>G, p.Ser358Gly (NM_001317799.2, NM_001345856.2); short protein forms S358G, S359G.
Identifiers: ClinVar variation 942571 (VCV000942571.5), dbSNP rs777369480, ClinGen allele CA3070361.
Genomic context (GRCh38, chr4:122,934,666, plus strand): 5'-AAAAATTCAAAAGAGCAAGACAACCAATTCAAAGTAACTTATGACATGATAGGAGGATTA[A>G]GTAGCCAGCTGAAAGCAATTAGAGAAATAATTGAATTGCCCCTCAAACAGCCTGAGCTTT-3'
Protein context (NP_660208.2, residues 349-369): KVTYDMIGGL[Ser359Gly]SQLKAIREII

ClinVar aggregate classification (germline): Uncertain significance. Review status: criteria provided, multiple submitters, no conflicts (2 of 4 stars). 2 submissions from 2 submitters: Uncertain significance (2). Last evaluated 2023-06-06.

Conditions:
Microcephaly-intellectual disability-sensorineural hearing loss-epilepsy-abnormal muscle tone syndrome (NEDHSB). Also called: NEURODEVELOPMENTAL DISORDER WITH HEARING LOSS, SEIZURES, AND BRAIN ABNORMALITIES. Identifiers: Orphanet 457351, MedGen C4225276, MONDO:0014698, OMIM 616577.

Allele frequency attached by ClinVar (database versions not stated): ExAC 0.00001; gnomAD exomes 0.00001 and 0.00002; gnomAD 0.00002; TOPMed 0.00002.
gnomAD v4.1: 6 of 1,609,580 alleles (0.00037%); highest among the groups gnomAD compares: African/African-American, 0.0013%; no homozygotes.

Submissions (2):

GeneDx
Classification: Uncertain significance. Last evaluated: 2023-06-06. Review status: criteria provided, single submitter. Criteria: GeneDx Variant Classification Process June 2021. Collection method: clinical testing. Allele origin: germline. Affected: yes.
Comment: Not observed at significant frequency in large population cohorts (gnomAD); In silico analysis supports that this missense variant does not alter protein structure/function; Has not been previously published as pathogenic or benign to our knowledge

Labcorp Genetics (formerly Invitae), Labcorp
Classification: Uncertain significance for Microcephaly-intellectual disability-sensorineural hearing loss-epilepsy-abnormal muscle tone syndrome. Last evaluated: 2021-08-27. Review status: criteria provided, single submitter. Criteria: Invitae Variant Classification Sherloc (09022015). Collection method: clinical testing. Allele origin: germline.
Comment: This sequence change replaces serine with glycine at codon 359 of the SPATA5 protein (p.Ser359Gly). The serine residue is moderately conserved and there is a small physicochemical difference between serine and glycine. This variant is present in population databases (rs777369480, ExAC 0.002%). This variant has not been reported in the literature in individuals affected with SPATA5-related conditions. Algorithms developed to predict the effect of missense changes on protein structure and function output the following: SIFT: "Tolerated"; PolyPhen-2: "Benign"; Align-GVGD: "Class C0". The glycine amino acid residue is found in multiple mammalian species, which suggests that this missense change does not adversely affect protein function. In summary, the available evidence is currently insufficient to determine the role of this variant in disease. Therefore, it has been classified as a Variant of Uncertain Significance.